The following is an entry in ClinVar:

NM_001273.5(CHD4):c.529A>G (p.Asn177Asp)

Gene: CHD4 (chromodomain helicase DNA binding protein 4; minus strand). Cytogenetic location: 12p13.31.
Variant type: single nucleotide variant.
Coding change: c.529A>G on transcript NM_001273.5 (MANE Select); coding-DNA position 529, A replaced by G.
Protein change: p.Asn177Asp; replaces asparagine 177 with aspartic acid.
Molecular consequence: missense variant.
Genome position (GRCh38, 1-based): chr12:6,601,676, T>C on the plus strand (A>G on the coding strand, the complement: CHD4 is on the minus strand). VCF-style: chr12-6601676-T-C. GRCh37 (hg19) VCF-style: chr12-6710842-T-C.
Other names: c.508A>G, p.Asn170Asp (NM_001297553.2); c.529A>G, p.Asn177Asp (NM_001363606.2); short protein forms N170D, N177D.
Identifiers: ClinVar variation 4075622 (VCV004075622.1).

ClinVar aggregate classification (germline): Uncertain significance (1 of 4 stars; one submission).

Submission:

GeneDx
Classification: Uncertain significance. Last evaluated: 2025-02-13. Review status: criteria provided, single submitter. Criteria: GeneDx Variant Classification Process June 2021. Collection method: clinical testing. Allele origin: germline. Affected: yes.
Comment: Not observed at significant frequency in large population cohorts (gnomAD); In silico analysis supports that this missense variant has a deleterious effect on protein structure/function; Has not been previously published as pathogenic or benign to our knowledge